The following is an entry in ClinVar:

NM_000384.3(APOB):c.4525C>T (p.Pro1509Ser)

Gene: APOB (apolipoprotein B; minus strand). Cytogenetic location: 2p24.1.
Variant type: single nucleotide variant.
Coding change: c.4525C>T on transcript NM_000384.3 (MANE Select); coding-DNA position 4525, C replaced by T.
Protein change: p.Pro1509Ser; replaces proline 1509 with serine.
Molecular consequence: missense variant.
Genome position (GRCh38, 1-based): chr2:21,012,343, G>A on the plus strand (C>T on the coding strand, the complement: APOB is on the minus strand). VCF-style: chr2-21012343-G-A. GRCh37 (hg19) VCF-style: chr2-21235215-G-A.
Other names: short protein forms P1509S.
Identifiers: ClinVar variation 5027933 (VCV005027933.1).

ClinVar aggregate classification (germline): Uncertain significance (1 of 4 stars; one submission).

Conditions:
Cardiovascular phenotype. Identifiers: MedGen CN230736.

Submission:

Ambry Genetics
Classification: Uncertain significance for Cardiovascular phenotype. Last evaluated: 2026-08-29. Review status: criteria provided, single submitter. Criteria: Ambry Variant Classification Scheme 2023. Collection method: clinical testing. Allele origin: germline.
Comment: The p.P1509S variant (also known as c.4525C>T), located in coding exon 26 of the APOB gene, results from a C to T substitution at nucleotide position 4525. The proline at codon 1509 is replaced by serine, an amino acid with similar properties. This amino acid position is conserved. In addition, this alteration is predicted to be tolerated by in silico analysis. Based on the available evidence, the clinical significance of this variant remains unclear.